The following is an entry in ClinVar:

ClinVar aggregate classification (germline): Conflicting classifications of pathogenicity. Review status: criteria provided, conflicting classifications (1 of 4 stars). 2 submissions from 2 submitters: Likely pathogenic (1); Uncertain significance (1). Last evaluated 2026-06-11.

Conditions:
Pontocerebellar hypoplasia type 2E. Identifiers: Orphanet 247198, MedGen C4014488, MONDO:0014370, OMIM 615851.

gnomAD v4.1: 1 of 1,614,068 alleles (0.000062%); highest among the groups gnomAD compares: Non-Finnish European, 0.000085%; no homozygotes.

Submissions (2):

Myriad Genetics, Inc.
Classification: Uncertain significance for Pontocerebellar hypoplasia type 2E. Last evaluated: 2026-06-11. Review status: criteria provided, single submitter. Criteria: Myriad Autosomal Dominant, Autosomal Recessive and X-Linked Classification Criteria (2023). Collection method: clinical testing. Allele origin: unknown.
Comment: NM_001128159.2(VPS53):c.137A>G(E46G) is a missense variant classified as a variant of uncertain significance in the context of pontocerebellar hypoplasia, VPS53-related. E46G has been observed in a case with relevant disease (PMID: 39513527). Relevant functional assessments of this variant are not available in the literature. E46G has not been observed in referenced population frequency databases. In summary, there is insufficient evidence to classify NM_001128159.2(VPS53):c.137A>G(E46G) as pathogenic or benign. Please note: this variant was assessed in the context of healthy population screening.

GeneDx
Classification: Likely pathogenic. Last evaluated: 2025-07-17. Review status: criteria provided, single submitter. Criteria: GeneDx Variant Classification Process June 2021. Collection method: clinical testing. Allele origin: germline. Affected: yes.
Comment: Not observed at significant frequency in large population cohorts (gnomAD); In silico analysis supports that this missense variant has a deleterious effect on protein structure/function; This variant is associated with the following publications: (PMID: 39513527)

Literature cited by the submitters: PubMed 39513527 (cited by Myriad Genetics, Inc.).

NM_001128159.3(VPS53):c.137A>G (p.Glu46Gly)

Gene: VPS53 (VPS53 subunit of GARP complex; minus strand). Cytogenetic location: 17p13.3.
Variant type: single nucleotide variant.
Coding change: c.137A>G on transcript NM_001128159.3 (MANE Select); coding-DNA position 137, A replaced by G.
Protein change: p.Glu46Gly; replaces glutamic acid 46 with glycine.
Molecular consequence: missense variant. On other transcripts: 5 prime UTR variant (1).
Genome position (GRCh38, 1-based): chr17:710,564, T>C on the plus strand (A>G on the coding strand, the complement: VPS53 is on the minus strand). VCF-style: chr17-710564-T-C. GRCh37 (hg19) VCF-style: chr17-613804-T-C.
Other names: c.137A>G, p.Glu46Gly (NM_001366253.2, NM_018289.4); c.-556A>G (NM_001366254.2); short protein forms E46G.
Identifiers: ClinVar variation 4686164 (VCV004686164.2).